The following is an entry in ClinVar:

NM_020461.4(TUBGCP6):c.3389G>A (p.Arg1130Gln)

Gene: TUBGCP6 (tubulin gamma complex component 6; minus strand). Cytogenetic location: 22q13.33.
Variant type: single nucleotide variant.
Coding change: c.3389G>A on transcript NM_020461.4 (MANE Select); coding-DNA position 3389, G replaced by A.
Protein change: p.Arg1130Gln; replaces arginine 1130 with glutamine.
Molecular consequence: missense variant.
Genome position (GRCh38, 1-based): chr22:50,220,970, C>T on the plus strand (G>A on the coding strand, the complement: TUBGCP6 is on the minus strand). VCF-style: chr22-50220970-C-T. GRCh37 (hg19) VCF-style: chr22-50659399-C-T.
Other names: short protein forms R1130Q.
Identifiers: ClinVar variation 1352131 (VCV001352131.7), dbSNP rs140384240, ClinGen allele CA10307963.

ClinVar aggregate classification (germline): Uncertain significance. Review status: criteria provided, multiple submitters, no conflicts (2 of 4 stars). 3 submissions from 3 submitters: Uncertain significance (3). Last evaluated 2026-03-07.

Conditions:
Microcephaly and chorioretinopathy 1. Also called: Microcephaly and chorioretinopathy, autosomal recessive, 1. Identifiers: MedGen C3278481, MONDO:0009624, OMIM 251270.

Allele frequency attached by ClinVar (database versions not stated): 1000 Genomes Project 0.00020; 1000 Genomes Project 30x 0.00031.
gnomAD v4.1: 11 of 1,607,658 alleles (0.00068%); highest among the groups gnomAD compares: South Asian, 0.0033%; no homozygotes.

Submissions (3):

Dasa
Classification: Uncertain significance for Microcephaly and chorioretinopathy 1. Last evaluated: 2026-03-07. Review status: criteria provided, single submitter. Criteria: DASA Assertion Criteria. Collection method: clinical testing. Allele origin: germline.
Comment: NM_020461.4(TUBGCP6):c.3389G>A (p.Arg1130Gln) is a missense variant that results in the substitution of arginine with glutamine. This variant is rare in population databases. The currently available literature and clinical evidence are not sufficient to establish a definitive association between this variant and the reported condition. Therefore, this variant is classified as a variant of uncertain significance.

Laboratorio de Genetica e Diagnostico Molecular, Hospital Israelita Albert Einstein
Classification: Uncertain significance for Microcephaly and chorioretinopathy 1. Last evaluated: 2023-08-31. Review status: criteria provided, single submitter. Criteria: ACMG Guidelines, 2015. Collection method: clinical testing. Allele origin: germline. Affected: yes.
Comment: ACMG classification criteria: PM2 moderate, BP4 supporting

Labcorp Genetics (formerly Invitae), Labcorp
Classification: Uncertain significance. Last evaluated: 2023-05-08. Review status: criteria provided, single submitter. Criteria: Invitae Variant Classification Sherloc (09022015). Collection method: clinical testing. Allele origin: germline.
Comment: ClinVar contains an entry for this variant (Variation ID: 1352131). In summary, the available evidence is currently insufficient to determine the role of this variant in disease. Therefore, it has been classified as a Variant of Uncertain Significance. Experimental studies and prediction algorithms are not available or were not evaluated, and the functional significance of this variant is currently unknown. This variant has not been reported in the literature in individuals affected with TUBGCP6-related conditions. This variant is present in population databases (rs140384240, gnomAD 0.002%). This sequence change replaces arginine, which is basic and polar, with glutamine, which is neutral and polar, at codon 1130 of the TUBGCP6 protein (p.Arg1130Gln).